The following is an entry in ClinVar:

NM_006231.4(POLE):c.595G>T (p.Gly199Cys)

Gene: POLE (DNA polymerase epsilon, catalytic subunit; minus strand). Cytogenetic location: 12q24.33.
Variant type: single nucleotide variant.
Coding change: c.595G>T on transcript NM_006231.4 (MANE Select); coding-DNA position 595, G replaced by T.
Protein change: p.Gly199Cys; replaces glycine 199 with cysteine.
Molecular consequence: missense variant.
Genome position (GRCh38, 1-based): chr12:132,677,703, C>A on the plus strand (G>T on the coding strand, the complement: POLE is on the minus strand). VCF-style: chr12-132677703-C-A. GRCh37 (hg19) VCF-style: chr12-133254289-C-A.
Other names: c.595G>T (NM_006231.2); short protein forms G199C.
Identifiers: ClinVar variation 1046200 (VCV001046200.9), dbSNP rs776540681, ClinGen allele CA387365437.

ClinVar aggregate classification (germline): Uncertain significance. Review status: criteria provided, multiple submitters, no conflicts (2 of 4 stars). 2 submissions from 2 submitters: Uncertain significance (2). Last evaluated 2024-01-25.

Conditions:
Hereditary cancer-predisposing syndrome. Also called: Hereditary Cancer Syndrome; Tumor predisposition; Hereditary neoplastic syndrome; Neoplastic Syndromes, Hereditary. Identifiers: Orphanet 140162, MedGen C0027672, MeSH D009386, MONDO:0015356.

Submissions (2):

Labcorp Genetics (formerly Invitae), Labcorp
Classification: Uncertain significance. Last evaluated: 2024-01-25. Review status: criteria provided, single submitter. Criteria: Invitae Variant Classification Sherloc (09022015). Collection method: clinical testing. Allele origin: germline.
Comment: This sequence change replaces glycine, which is neutral and non-polar, with cysteine, which is neutral and slightly polar, at codon 199 of the POLE protein (p.Gly199Cys). This variant is not present in population databases (gnomAD no frequency). This variant has not been reported in the literature in individuals affected with POLE-related conditions. ClinVar contains an entry for this variant (Variation ID: 1046200). An algorithm developed to predict the effect of missense changes on protein structure and function (PolyPhen-2) suggests that this variant is likely to be disruptive. In summary, the available evidence is currently insufficient to determine the role of this variant in disease. Therefore, it has been classified as a Variant of Uncertain Significance.

Ambry Genetics
Classification: Uncertain significance for Hereditary cancer-predisposing syndrome. Last evaluated: 2023-11-15. Review status: criteria provided, single submitter. Criteria: Ambry Variant Classification Scheme 2023. Collection method: clinical testing. Allele origin: germline.
Comment: The p.G199C variant (also known as c.595G>T), located in coding exon 7 of the POLE gene, results from a G to T substitution at nucleotide position 595. The glycine at codon 199 is replaced by cysteine, an amino acid with highly dissimilar properties. This amino acid position is conserved. In addition, this alteration is predicted to be tolerated by in silico analysis. Since supporting evidence is limited at this time, the clinical significance of this alteration remains unclear.